The following is an entry in ClinVar:

ClinVar aggregate classification (germline): Uncertain significance (1 of 4 stars; one submission).

Conditions:
Primary dilated cardiomyopathy (DCM). Also called: Dilated Cardiomyopathy. Identifiers: Orphanet 217604, MedGen C0007193, MeSH D002311, MONDO:0005021, HP:0001644. Inheritance: Various modes of inheritance.

gnomAD v4.1: 6 of 1,614,002 alleles (0.00037%); highest among the groups gnomAD compares: Admixed American, 0.0033%; no homozygotes.

Submission:

Labcorp Genetics (formerly Invitae), Labcorp
Classification: Uncertain significance for Primary dilated cardiomyopathy. Last evaluated: 2025-03-03. Review status: criteria provided, single submitter. Criteria: Invitae Variant Classification Sherloc (09022015). Collection method: clinical testing. Allele origin: germline.
Comment: This sequence change replaces histidine, which is basic and polar, with arginine, which is basic and polar, at codon 827 of the NEBL protein (p.His827Arg). This variant is present in population databases (no rsID available, gnomAD 0.0009%). This variant has not been reported in the literature in individuals affected with NEBL-related conditions. ClinVar contains an entry for this variant (Variation ID: 1401982). An algorithm developed to predict the effect of missense changes on protein structure and function (PolyPhen-2) suggests that this variant is likely to be tolerated. In summary, the available evidence is currently insufficient to determine the role of this variant in disease. Therefore, it has been classified as a Variant of Uncertain Significance.

NM_006393.3(NEBL):c.2480A>G (p.His827Arg)

Gene: NEBL (nebulette; minus strand). Cytogenetic location: 10p12.31.
Variant type: single nucleotide variant.
Coding change: c.2480A>G on transcript NM_006393.3 (MANE Select); coding-DNA position 2480, A replaced by G.
Protein change: p.His827Arg; replaces histidine 827 with arginine.
Molecular consequence: missense variant.
Genome position (GRCh38, 1-based): chr10:20,812,807, T>C on the plus strand (A>G on the coding strand, the complement: NEBL is on the minus strand). VCF-style: chr10-20812807-T-C. GRCh37 (hg19) VCF-style: chr10-21101736-T-C.
Other names: c.491A>G, p.His164Arg (NM_001173484.2, NM_001377322.1, NM_213569.2); c.443A>G, p.His148Arg (NM_001377323.1); c.434A>G, p.His145Arg (NM_001377324.1); c.425A>G, p.His142Arg (NM_001377325.1); c.383A>G, p.His128Arg (NM_001377326.1, NM_001377327.1, NM_001377328.1); short protein forms H148R, H164R, H128R, H142R, H827R, H145R.
Identifiers: ClinVar variation 1401982 (VCV001401982.6), dbSNP rs372763596, ClinGen allele CA376093252.